The following is an entry in ClinVar:

NM_006129.5(BMP1):c.2488G>A (p.Val830Ile)

Gene: BMP1 (bone morphogenetic protein 1; plus strand). Cytogenetic location: 8p21.3.
Variant type: single nucleotide variant.
Coding change: c.2488G>A on transcript NM_006129.5 (MANE Select); coding-DNA position 2488, G replaced by A.
Protein change: p.Val830Ile; replaces valine 830 with isoleucine.
Molecular consequence: missense variant. On other transcripts: non-coding transcript variant (1).
Genome position (GRCh38, 1-based): chr8:22,207,429, G>A. VCF-style: chr8-22207429-G-A. GRCh37 (hg19) VCF-style: chr8-22064942-G-A.
Other names: short protein forms V830I.
Identifiers: ClinVar variation 753443 (VCV000753443.11), dbSNP rs140324769, ClinGen allele CA4665271.

ClinVar aggregate classification (germline): Conflicting classifications of pathogenicity. Review status: criteria provided, conflicting classifications (1 of 4 stars). 3 submissions from 3 submitters: Uncertain significance (1); Likely benign (1). 1 of the submissions does not count toward it. Last evaluated 2026-01-20.

Conditions:
Inborn genetic diseases. Identifiers: MedGen C0950123, MeSH D030342.
BMP1-related disorder. Also called: BMP1-related condition.

Allele frequency attached by ClinVar (database versions not stated): gnomAD exomes 0.00007; gnomAD 0.00010; 1000 Genomes Project 30x 0.00016; 1000 Genomes Project 0.00020; TOPMed 0.00020; ESP Exome Variant Server 0.00046.
gnomAD v4.1: 149 of 1,614,088 alleles (0.0092%); highest among the groups gnomAD compares: African/African-American, 0.036%; no homozygotes.

Submissions (3):

Labcorp Genetics (formerly Invitae), Labcorp
Classification: Likely benign. Last evaluated: 2026-01-20. Review status: criteria provided, single submitter. Criteria: Invitae Variant Classification Sherloc (09022015). Collection method: clinical testing. Allele origin: germline.

Ambry Genetics
Classification: Uncertain significance for Inborn genetic diseases. Last evaluated: 2021-08-02. Review status: criteria provided, single submitter. Criteria: Ambry Variant Classification Scheme 2023. Collection method: clinical testing. Allele origin: germline.

PreventionGenetics, part of Exact Sciences
Classification: Likely benign for BMP1-related condition. Last evaluated: 2023-08-29. Review status: no assertion criteria provided. Collection method: clinical testing. Allele origin: germline. Not counted in ClinVar's aggregate classification.
Comment: This variant is classified as likely benign based on ACMG/AMP sequence variant interpretation guidelines (Richards et al. 2015 PMID: 25741868, with internal and published modifications).